The following is an entry in ClinVar:

NM_022168.4(IFIH1):c.2807+1G>C

Gene: IFIH1 (interferon induced with helicase C domain 1; minus strand). Cytogenetic location: 2q24.2.
Variant type: single nucleotide variant.
Coding change: c.2807+1G>C on transcript NM_022168.4 (MANE Select); the canonical splice donor site of the intron after coding-DNA position 2807, G replaced by C.
Molecular consequence: splice donor variant.
Genome position (GRCh38, 1-based): chr2:162,268,086, C>G on the plus strand (G>C on the coding strand, the complement: IFIH1 is on the minus strand). VCF-style: chr2-162268086-C-G. GRCh37 (hg19) VCF-style: chr2-163124596-C-G.
Identifiers: ClinVar variation 3758467 (VCV003758467.2).

ClinVar aggregate classification (germline): Uncertain significance (1 of 4 stars; one submission).

Conditions:
Singleton-Merten syndrome 1 (SGMRT1). Also called: Widened medullary cavities of bone, aortic calcification, abnormal dentition, and muscular weakness; Syndrome of widened medullary cavities of the metacarpals and phalanges, aortic calcification and abnormal dentition. Identifiers: Orphanet 85191, MedGen C4225427, MONDO:0024535, OMIM 182250.
Aicardi-Goutieres syndrome 7 (AGS7). Identifiers: Orphanet 51, MedGen C3888244, MONDO:0014367, OMIM 615846.

gnomAD v4.1: 1 of 1,591,134 alleles (0.000063%); highest among the groups gnomAD compares: Non-Finnish European, 0.000086%; no homozygotes.

Submission:

Labcorp Genetics (formerly Invitae), Labcorp
Classification: Uncertain significance for Aicardi-Goutieres syndrome 7; Singleton-Merten syndrome 1. Last evaluated: 2025-01-08. Review status: criteria provided, single submitter. Criteria: Invitae Variant Classification Sherloc (09022015). Collection method: clinical testing. Allele origin: germline.
Comment: This sequence change affects a donor splice site in intron 14 of the IFIH1 gene. It is expected to disrupt RNA splicing. Variants that disrupt the donor or acceptor splice site typically lead to a loss of protein function (PMID: 16199547), however the current clinical and genetic evidence is not sufficient to establish whether loss-of-function variants in IFIH1 cause disease. This variant is not present in population databases (gnomAD no frequency). This variant has not been reported in the literature in individuals affected with IFIH1-related conditions. Algorithms developed to predict the effect of sequence changes on RNA splicing suggest that this variant may disrupt the consensus splice site. In summary, the available evidence is currently insufficient to determine the role of this variant in disease. Therefore, it has been classified as a Variant of Uncertain Significance.

Literature cited by the submitters: PubMed 16199547.